The following is an entry in ClinVar:

ClinVar aggregate classification (germline): Benign. Review status: criteria provided, multiple submitters, no conflicts (2 of 4 stars). 3 submissions from 2 submitters: Benign (3). Last evaluated 2018-01-12.

Conditions:
Migraine, familial hemiplegic, 2. Identifiers: Orphanet 569, MedGen C1865322, MONDO:0011232, OMIM 602481.
Alternating hemiplegia of childhood 1 (AHC1). Identifiers: Orphanet 2131, MedGen C3549447, MONDO:0007087, OMIM 104290.

Allele frequency attached by ClinVar (database versions not stated): 1000 Genomes Project 0.02396; 1000 Genomes Project 30x 0.02452; gnomAD exomes 0.02841; gnomAD 0.03411 and 0.03535; TOPMed 0.03480.
gnomAD v4.1: 16,898 of 564,168 alleles (3%); highest among the groups gnomAD compares: Middle Eastern, 6%; 330 homozygotes.

Submissions (3):

Illumina Laboratory Services, Illumina
Classification: Benign for Migraine, familial hemiplegic, 2. Last evaluated: 2018-01-12. Review status: criteria provided, single submitter. Criteria: ICSL Variant Classification Criteria 13 December 2019. Collection method: clinical testing. Allele origin: germline.
Comment: This variant was observed in the ICSL laboratory as part of a predisposition screen in an ostensibly healthy population. It had not been previously curated by ICSL or reported in the Human Gene Mutation Database (HGMD: prior to June 1st, 2018), and was therefore a candidate for classification through an automated scoring system. Utilizing variant allele frequency, disease prevalence and penetrance estimates, and inheritance mode, an automated score was calculated to assess if this variant is too frequent to cause the disease. Based on the score and internal cut-off values, a variant classified as benign is not then subjected to further curation. The score for this variant resulted in a classification of benign for this disease.

Illumina Laboratory Services, Illumina
Classification: Benign for Alternating hemiplegia of childhood 1. Last evaluated: 2018-01-12. Review status: criteria provided, single submitter. Criteria: ICSL Variant Classification Criteria 13 December 2019. Collection method: clinical testing. Allele origin: germline.
Comment: the same text as in the submission from Illumina Laboratory Services, Illumina above.

Breakthrough Genomics
Classification: Benign. Review status: criteria provided, single submitter. Criteria: ACMG Guidelines, 2015. Collection method: not provided. Allele origin: germline. Inheritance: Autosomal recessive inheritance. Affected: yes.

NM_000702.4(ATP1A2):c.*253C>T

Gene: ATP1A2 (ATPase Na+/K+ transporting subunit alpha 2; plus strand). Cytogenetic location: 1q23.2.
Variant type: single nucleotide variant.
Coding change: c.*253C>T on transcript NM_000702.4 (MANE Select); 253 bases downstream of the stop codon, C replaced by T.
Molecular consequence: 3 prime UTR variant.
Genome position (GRCh38, 1-based): chr1:160,141,575, C>T. VCF-style: chr1-160141575-C-T. GRCh37 (hg19) VCF-style: chr1-160111365-C-T.
Identifiers: ClinVar variation 293143 (VCV000293143.6), dbSNP rs78930771, ClinGen allele CA10608090.